The following is an entry in ClinVar:

ClinVar aggregate classification (germline): Benign. Review status: criteria provided, multiple submitters, no conflicts (2 of 4 stars). 3 submissions from 3 submitters: Benign (3). Last evaluated 2025-10-03.

Conditions:
EXPH5-related disorder. Also called: EXPH5-related condition.

Allele frequency attached by ClinVar (database versions not stated): gnomAD exomes 0.00143; ExAC 0.00167; TOPMed 0.00503; ESP Exome Variant Server 0.00577; 1000 Genomes Project 0.00619; 1000 Genomes Project 30x 0.00625.
gnomAD v4.1: 1,682 of 1,614,156 alleles (0.1%); highest among the groups gnomAD compares: African/African-American, 1.7%; 14 homozygotes.

Submissions (3):

Labcorp Genetics (formerly Invitae), Labcorp
Classification: Benign. Last evaluated: 2025-10-03. Review status: criteria provided, single submitter. Criteria: Invitae Variant Classification Sherloc (09022015). Collection method: clinical testing. Allele origin: germline.

PreventionGenetics, part of Exact Sciences
Classification: Benign for EXPH5-related condition. Last evaluated: 2024-10-21. Review status: criteria provided, single submitter. Criteria: ACMG Guidelines, 2015. Collection method: clinical testing. Allele origin: germline.
Comment: This variant is classified as benign based on ACMG/AMP sequence variant interpretation guidelines (Richards et al. 2015 PMID: 25741868, with internal and published modifications).

Breakthrough Genomics
Classification: Benign. Review status: criteria provided, single submitter. Criteria: ACMG Guidelines, 2015. Collection method: not provided. Allele origin: germline. Inheritance: Autosomal recessive inheritance. Affected: yes.

NM_015065.3(EXPH5):c.5203A>T (p.Ile1735Phe)

Gene: EXPH5 (exophilin 5; minus strand). Cytogenetic location: 11q22.3.
Variant type: single nucleotide variant.
Coding change: c.5203A>T on transcript NM_015065.3 (MANE Select); coding-DNA position 5203, A replaced by T.
Protein change: p.Ile1735Phe; replaces isoleucine 1735 with phenylalanine.
Molecular consequence: missense variant.
Genome position (GRCh38, 1-based): chr11:108,510,304, T>A on the plus strand (A>T on the coding strand, the complement: EXPH5 is on the minus strand). VCF-style: chr11-108510304-T-A. GRCh37 (hg19) VCF-style: chr11-108381031-T-A.
Other names: c.4975A>T, p.Ile1659Phe (NM_001144763.2); c.4735A>T, p.Ile1579Phe (NM_001144764.2); c.4639A>T, p.Ile1547Phe (NM_001144765.2); c.5182A>T, p.Ile1728Phe (NM_001308019.2); short protein forms I1547F, I1659F, I1735F, I1579F, I1728F.
Identifiers: ClinVar variation 714054 (VCV000714054.11), dbSNP rs35717245, ClinGen allele CA6267370.